The following is an entry in ClinVar:

ClinVar aggregate classification (germline): Pathogenic (1 of 4 stars; one submission).

Submission:

Labcorp Genetics (formerly Invitae), Labcorp
Classification: Pathogenic. Last evaluated: 2023-10-31. Review status: criteria provided, single submitter. Criteria: Invitae Variant Classification Sherloc (09022015). Collection method: clinical testing. Allele origin: germline.
Comment: This sequence change affects a donor splice site in intron 5 of the TMC1 gene. It is expected to disrupt RNA splicing. Variants that disrupt the donor or acceptor splice site typically lead to a loss of protein function (PMID: 16199547), and loss-of-function variants in TMC1 are known to be pathogenic (PMID: 11850618, 22105175). This variant is present in population databases (no rsID available, gnomAD 0.006%). Disruption of this splice site has been observed in individual(s) with autosomal recessive deafness (PMID: 17877751). It has also been observed to segregate with disease in related individuals. Algorithms developed to predict the effect of sequence changes on RNA splicing suggest that this variant may disrupt the consensus splice site. For these reasons, this variant has been classified as Pathogenic.

Literature cited by the submitters: PubMed 16199547; PubMed 11850618; PubMed 22105175; PubMed 17877751.

NM_138691.3(TMC1):c.16+1G>A

Gene: TMC1 (transmembrane channel like 1; plus strand). Cytogenetic location: 9q21.13.
Variant type: single nucleotide variant.
Coding change: c.16+1G>A on transcript NM_138691.3 (MANE Select); the canonical splice donor site of the intron after coding-DNA position 16, G replaced by A.
Molecular consequence: splice donor variant.
Genome position (GRCh38, 1-based): chr9:72,648,665, G>A. VCF-style: chr9-72648665-G-A. GRCh37 (hg19) VCF-style: chr9-75263581-G-A.
Identifiers: ClinVar variation 2773080 (VCV002773080.3), dbSNP rs1169090943, ClinGen allele CA373722714.